The following is an entry in ClinVar:

ClinVar aggregate classification (germline): Uncertain significance (1 of 4 stars; one submission).

Conditions:
Hepatic methionine adenosyltransferase deficiency. Also called: Deficiency of methionine adenosyltransferase; MAT I/III DEFICIENCY; Methionine adenosyltransferase deficiency; Isolated Persistent Hypermethioninemia. Identifiers: Orphanet 168598, MedGen C0268621, MeSH C564683, MONDO:0009607, OMIM 250850.

Submission:

Labcorp Genetics (formerly Invitae), Labcorp
Classification: Uncertain significance for Hepatic methionine adenosyltransferase deficiency. Last evaluated: 2024-08-08. Review status: criteria provided, single submitter. Criteria: Invitae Variant Classification Sherloc (09022015). Collection method: clinical testing. Allele origin: germline.
Comment: This sequence change replaces leucine, which is neutral and non-polar, with isoleucine, which is neutral and non-polar, at codon 152 of the MAT1A protein (p.Leu152Ile). This variant is not present in population databases (gnomAD no frequency). This variant has not been reported in the literature in individuals affected with MAT1A-related conditions. Advanced modeling of protein sequence and biophysical properties (such as structural, functional, and spatial information, amino acid conservation, physicochemical variation, residue mobility, and thermodynamic stability) performed at Invitae indicates that this missense variant is not expected to disrupt MAT1A protein function with a negative predictive value of 80%. In summary, the available evidence is currently insufficient to determine the role of this variant in disease. Therefore, it has been classified as a Variant of Uncertain Significance.

NM_000429.3(MAT1A):c.454C>A (p.Leu152Ile)

Gene: MAT1A (methionine adenosyltransferase 1A; minus strand). Cytogenetic location: 10q22.3.
Variant type: single nucleotide variant.
Coding change: c.454C>A on transcript NM_000429.3 (MANE Select); coding-DNA position 454, C replaced by A.
Protein change: p.Leu152Ile; replaces leucine 152 with isoleucine.
Molecular consequence: missense variant.
Genome position (GRCh38, 1-based): chr10:80,280,268, G>T on the plus strand (C>A on the coding strand, the complement: MAT1A is on the minus strand). VCF-style: chr10-80280268-G-T. GRCh37 (hg19) VCF-style: chr10-82040024-G-T.
Other names: short protein forms L152I.
Identifiers: ClinVar variation 3656126 (VCV003656126.2).
Genomic context (GRCh38, chr10:80,280,268, plus strand): 5'-GGCCGGAGCGCCTGAGGTCTGCCATCCGGGCGTTGAGCTTGTGAGCAAGGATGATGGTGA[G>T]GGGCATGCACTCCTCTGTCTCGTCGGTAGCATAGCCGAACATCAAACCCTGTGGCGAGAG-3'
Protein context (NP_000420.1, residues 142-162): ATDETEECMP[Leu152Ile]TIILAHKLNA